The following is an entry in ClinVar:

NM_016247.4(IMPG2):c.*260A>G

Gene: IMPG2 (interphotoreceptor matrix proteoglycan 2; minus strand). Cytogenetic location: 3q12.3.
Variant type: single nucleotide variant.
Coding change: c.*260A>G on transcript NM_016247.4 (MANE Select); 260 bases downstream of the stop codon, A replaced by G.
Molecular consequence: 3 prime UTR variant.
Genome position (GRCh38, 1-based): chr3:101,226,709, T>C on the plus strand (A>G on the coding strand, the complement: IMPG2 is on the minus strand). VCF-style: chr3-101226709-T-C. GRCh37 (hg19) VCF-style: chr3-100945553-T-C.
Identifiers: ClinVar variation 342330 (VCV000342330.5), dbSNP rs73863023, ClinGen allele CA10614798.
Genomic context (GRCh38, chr3:101,226,709, plus strand): 5'-CCAGTGATTCAGAAGCAGACAGCAACTGCAGCCCTAAATCCTAGGTCCAGCTTTTTCTTA[T>C]AGAATACTTTCCAGAGTTTACGTAGTTTTCAATTTATTTAAACACAGCATTCAGTCTTTA-3'

ClinVar aggregate classification (germline): Likely benign (1 of 4 stars; one submission).

Conditions:
Retinitis pigmentosa (RP). Identifiers: Orphanet 791, MedGen C0035334, MeSH D012174, MONDO:0019200, OMIM 268000. Inheritance: Autosomal dominant, autosomal recessive and X linked inheritance.

Allele frequency attached by ClinVar (database versions not stated): gnomAD exomes 0.00101; gnomAD 0.00872 and 0.00919; TOPMed 0.01010; 1000 Genomes Project 0.01138; 1000 Genomes Project 30x 0.01218.
gnomAD v4.1: 1,630 of 447,870 alleles (0.36%); highest among the groups gnomAD compares: African/African-American, 2.9%; 30 homozygotes.

Submission:

Illumina Laboratory Services, Illumina
Classification: Likely benign for Retinitis pigmentosa. Last evaluated: 2018-01-12. Review status: criteria provided, single submitter. Criteria: ICSL Variant Classification Criteria 13 December 2019. Collection method: clinical testing. Allele origin: germline.
Comment: This variant was observed in the ICSL laboratory as part of a predisposition screen in an ostensibly healthy population. It had not been previously curated by ICSL or reported in the Human Gene Mutation Database (HGMD: prior to June 1st, 2018), and was therefore a candidate for classification through an automated scoring system. Utilizing variant allele frequency, disease prevalence and penetrance estimates, and inheritance mode, an automated score was calculated to assess if this variant is too frequent to cause the disease. Based on the score and internal cut-off values, a variant classified as likely benign is not then subjected to further curation. The score for this variant resulted in a classification of likely benign for this disease.